The following is an entry in ClinVar:

ClinVar aggregate classification (germline): Pathogenic (1 of 4 stars; one submission).

Allele frequency attached by ClinVar (database versions not stated): gnomAD exomes below 0.00001; gnomAD 0.00001; TOPMed 0.00001.

Submission:

Labcorp Genetics (formerly Invitae), Labcorp
Classification: Pathogenic. Last evaluated: 2022-07-05. Review status: criteria provided, single submitter. Criteria: Invitae Variant Classification Sherloc (09022015). Collection method: clinical testing. Allele origin: germline.
Comment: This sequence change creates a premature translational stop signal (p.Arg8Thrfs*28) in the USP53 gene. It is expected to result in an absent or disrupted protein product. Loss-of-function variants in USP53 are known to be pathogenic (PMID: 32124521, 32759993). This variant is not present in population databases (gnomAD no frequency). This variant has not been reported in the literature in individuals affected with USP53-related conditions. For these reasons, this variant has been classified as Pathogenic.

Literature cited by the submitters: PubMed 32124521; PubMed 32759993.

NM_001371395.1(USP53):c.21dup (p.Arg8fs)

Gene: USP53 (ubiquitin specific peptidase 53; plus strand). Cytogenetic location: 4q26.
Variant type: Duplication.
Coding change: c.21dup on transcript NM_001371395.1 (MANE Select); coding-DNA position 21, one base duplicated (A; older notation c.21dupA).
Protein change: p.Arg8fs; shifts the reading frame from arginine 8.
Molecular consequence: frameshift variant. On other transcripts: intron variant (6).
Genome position (GRCh38, 1-based): chr4:119,239,780, A duplicated. VCF-style (leftmost placement, unchanged base first): chr4-119239779-T-TA. GRCh37 (hg19) VCF-style: chr4-120160934-T-TA.
Other names: c.21dup, p.Arg8fs (NM_001371396.1, NM_001371397.1, NM_001371398.1 and 6 more transcripts); c.-204-5557dup (NM_001389663.1, NM_001389667.1, NM_001389662.1 and 2 more transcripts); c.-205+4369dup (NM_001389664.1); short protein forms R8fs.
Identifiers: ClinVar variation 2062610 (VCV002062610.1), dbSNP rs1229833293, ClinGen allele CA786070601.